The following is an entry in ClinVar:

NC_000022.11:g.(?_28719385)_(28734731_?)del

Gene: CHEK2 (checkpoint kinase 2; minus strand). Cytogenetic location: 22q12.1.
Variant type: Deletion.
Identifiers: ClinVar variation 832387 (VCV000832387.2).

ClinVar aggregate classification (germline): Pathogenic (1 of 4 stars; one submission).

Conditions:
Familial cancer of breast. Also called: BREAST CANCER, FAMILIAL; Hereditary breast cancer; hereditary breast carcinoma. Identifiers: Orphanet 227535, MedGen C0346153, MONDO:0016419, OMIM 114480. Disease mechanism: loss of function.

Submission:

Labcorp Genetics (formerly Invitae), Labcorp
Classification: Pathogenic for Hereditary Breast Carcinoma. Last evaluated: 2019-07-15. Review status: criteria provided, single submitter. Criteria: Invitae Variant Classification Sherloc (09022015). Collection method: clinical testing. Allele origin: germline.
Comment: This variant is a gross deletion of the genomic region encompassing exons 2-5 of the CHEK2 gene, which includes the initiator codon. The 5' end of this event is unknown as it extends beyond the assayed region for this gene and therefore may encompass additional genes. The 3' boundary is likely confined to intron 5 of the CHEK2 gene. This is expected to result in an absent or disrupted protein product. This variant has not been reported in the literature in individuals with CHEK2-related conditions. Loss-of-function variants in CHEK2 are known to be pathogenic (PMID: 21876083, 24713400). For these reasons, this variant has been classified as Pathogenic.